The following is an entry in ClinVar:

ClinVar aggregate classification (germline): Uncertain significance (1 of 4 stars; one submission).

Submission:

Labcorp Genetics (formerly Invitae), Labcorp
Classification: Uncertain significance. Last evaluated: 2021-08-17. Review status: criteria provided, single submitter. Criteria: Invitae Variant Classification Sherloc (09022015). Collection method: clinical testing. Allele origin: germline.
Comment: Algorithms developed to predict the effect of missense changes on protein structure and function (SIFT, PolyPhen-2, Align-GVGD) all suggest that this variant is likely to be tolerated. This variant has not been reported in the literature in individuals affected with HOXB13-related conditions. This variant is not present in population databases (ExAC no frequency). This sequence change replaces cysteine with serine at codon 211 of the HOXB13 protein (p.Cys211Ser). The cysteine residue is moderately conserved and there is a moderate physicochemical difference between cysteine and serine. Algorithms developed to predict the effect of sequence changes on RNA splicing suggest that this variant may create or strengthen a splice site. In summary, the available evidence is currently insufficient to determine the role of this variant in disease. Therefore, it has been classified as a Variant of Uncertain Significance.

NM_006361.6(HOXB13):c.631T>A (p.Cys211Ser)

Gene: HOXB13 (homeobox B13; minus strand). Cytogenetic location: 17q21.32.
Variant type: single nucleotide variant.
Coding change: c.631T>A on transcript NM_006361.6 (MANE Select); coding-DNA position 631, T replaced by A.
Protein change: p.Cys211Ser; replaces cysteine 211 with serine.
Molecular consequence: missense variant.
Genome position (GRCh38, 1-based): chr17:48,727,014, A>T on the plus strand (T>A on the coding strand, the complement: HOXB13 is on the minus strand). VCF-style: chr17-48727014-A-T. GRCh37 (hg19) VCF-style: chr17-46804376-A-T.
Other names: short protein forms C211S.
Identifiers: ClinVar variation 1513412 (VCV001513412.6), dbSNP rs2143067774, ClinGen allele CA400106991.